The following is an entry in ClinVar:

NM_033004.4(NLRP1):c.1581C>T (p.Cys527=)

Gene: NLRP1 (NLR family pyrin domain containing 1; minus strand). Cytogenetic location: 17p13.2.
Variant type: single nucleotide variant.
Coding change: c.1581C>T on transcript NM_033004.4 (MANE Select); coding-DNA position 1581, C replaced by T.
Protein change: p.Cys527=; no amino-acid change (cysteine 527 retained).
Molecular consequence: synonymous variant.
Genome position (GRCh38, 1-based): chr17:5,559,115, G>A on the plus strand (C>T on the coding strand, the complement: NLRP1 is on the minus strand). VCF-style: chr17-5559115-G-A. GRCh37 (hg19) VCF-style: chr17-5462435-G-A.
Other names: c.1581C>T, p.Cys527= (NM_001033053.3, NM_014922.5, NM_033006.4 and 1 more transcripts).
Identifiers: ClinVar variation 2647303 (VCV002647303.24), dbSNP rs2507938577, ClinGen allele CA497686449.

ClinVar aggregate classification (germline): Likely benign (1 of 4 stars; one submission).

Submission:

CeGaT Center for Human Genetics Tuebingen
Classification: Likely benign. Last evaluated: 2023-03-01. Review status: criteria provided, single submitter. Criteria: CeGaT Center For Human Genetics Tuebingen Variant Classification Criteria Version 2. Collection method: clinical testing. Allele origin: germline. Affected: yes. Observed: 1 variant allele.
Comment: NLRP1: PM2:Supporting, BP4, BP7